The following is an entry in ClinVar:

NM_003184.4(TAF2):c.3229C>T (p.Arg1077Trp)

Gene: TAF2 (TATA-box binding protein associated factor 2; minus strand). Cytogenetic location: 8q24.12.
Variant type: single nucleotide variant.
Coding change: c.3229C>T on transcript NM_003184.4 (MANE Select); coding-DNA position 3229, C replaced by T.
Protein change: p.Arg1077Trp; replaces arginine 1077 with tryptophan.
Molecular consequence: missense variant.
Genome position (GRCh38, 1-based): chr8:119,742,642, G>A on the plus strand (C>T on the coding strand, the complement: TAF2 is on the minus strand). VCF-style: chr8-119742642-G-A. GRCh37 (hg19) VCF-style: chr8-120754882-G-A.
Other names: c.3229C>T (NM_003184.3); short protein forms R1077W.
Identifiers: ClinVar variation 1392114 (VCV001392114.6), dbSNP rs769065369, ClinGen allele CA4856837.

ClinVar aggregate classification (germline): Uncertain significance. Review status: criteria provided, multiple submitters, no conflicts (2 of 4 stars). 2 submissions from 2 submitters: Uncertain significance (2). Last evaluated 2025-11-07.

Conditions:
Inborn genetic diseases. Identifiers: MedGen C0950123, MeSH D030342.

Allele frequency attached by ClinVar (database versions not stated): gnomAD 0.00003; gnomAD exomes 0.00003 and 0.00004; ExAC 0.00005; TOPMed 0.00005.
gnomAD v4.1: 58 of 1,613,558 alleles (0.0036%); highest among the groups gnomAD compares: Admixed American, 0.013%; 1 homozygote.

Submissions (2):

Ambry Genetics
Classification: Uncertain significance for Inborn genetic diseases. Last evaluated: 2025-11-07. Review status: criteria provided, single submitter. Criteria: Ambry Variant Classification Scheme 2023. Collection method: clinical testing. Allele origin: germline.

Labcorp Genetics (formerly Invitae), Labcorp
Classification: Uncertain significance. Last evaluated: 2024-10-23. Review status: criteria provided, single submitter. Criteria: Invitae Variant Classification Sherloc (09022015). Collection method: clinical testing. Allele origin: germline.
Comment: This sequence change replaces arginine, which is basic and polar, with tryptophan, which is neutral and slightly polar, at codon 1077 of the TAF2 protein (p.Arg1077Trp). This variant is present in population databases (rs769065369, gnomAD 0.03%). This variant has not been reported in the literature in individuals affected with TAF2-related conditions. ClinVar contains an entry for this variant (Variation ID: 1392114). An algorithm developed to predict the effect of missense changes on protein structure and function (PolyPhen-2) suggests that this variant is likely to be tolerated. In summary, the available evidence is currently insufficient to determine the role of this variant in disease. Therefore, it has been classified as a Variant of Uncertain Significance.